The following is an entry in ClinVar:

NM_001190.4(BCAT2):c.622C>T (p.Pro208Ser)

Gene: BCAT2 (branched chain amino acid transaminase 2; minus strand). Cytogenetic location: 19q13.33.
Variant type: single nucleotide variant.
Coding change: c.622C>T on transcript NM_001190.4 (MANE Select); coding-DNA position 622, C replaced by T.
Protein change: p.Pro208Ser; replaces proline 208 with serine.
Molecular consequence: missense variant.
Genome position (GRCh38, 1-based): chr19:48,799,748, G>A on the plus strand (C>T on the coding strand, the complement: BCAT2 is on the minus strand). VCF-style: chr19-48799748-G-A. GRCh37 (hg19) VCF-style: chr19-49303005-G-A.
Other names: c.346C>T, p.Pro116Ser (NM_001164773.2); c.502C>T, p.Pro168Ser (NM_001284325.2); short protein forms P168S, P208S, P116S.
Identifiers: ClinVar variation 1483893 (VCV001483893.6), dbSNP rs199930503, ClinGen allele CA9558365.

ClinVar aggregate classification (germline): Uncertain significance. Review status: criteria provided, multiple submitters, no conflicts (2 of 4 stars). 2 submissions from 2 submitters: Uncertain significance (2). Last evaluated 2022-08-23.

Allele frequency attached by ClinVar (database versions not stated): ExAC 0.00005; gnomAD exomes 0.00005; 1000 Genomes Project 0.00040; gnomAD 0.00045 and 0.00048; 1000 Genomes Project 30x 0.00047; TOPMed 0.00100.
gnomAD v4.1: 122 of 1,583,922 alleles (0.0077%); highest among the groups gnomAD compares: Admixed American, 0.17%; no homozygotes.

Submissions (2):

Labcorp Genetics (formerly Invitae), Labcorp
Classification: Uncertain significance. Last evaluated: 2022-08-23. Review status: criteria provided, single submitter. Criteria: Invitae Variant Classification Sherloc (09022015). Collection method: clinical testing. Allele origin: germline.
Comment: This sequence change replaces proline, which is neutral and non-polar, with serine, which is neutral and polar, at codon 208 of the BCAT2 protein (p.Pro208Ser). This variant is present in population databases (rs199930503, gnomAD 0.03%). This variant has not been reported in the literature in individuals affected with BCAT2-related conditions. ClinVar contains an entry for this variant (Variation ID: 1483893). Algorithms developed to predict the effect of missense changes on protein structure and function are either unavailable or do not agree on the potential impact of this missense change (SIFT: "Tolerated"; PolyPhen-2: "Possibly Damaging"; Align-GVGD: "Class C0"). In summary, the available evidence is currently insufficient to determine the role of this variant in disease. Therefore, it has been classified as a Variant of Uncertain Significance.

Breakthrough Genomics
Classification: Uncertain significance. Review status: criteria provided, single submitter. Criteria: ACMG Guidelines, 2015. Collection method: not provided. Allele origin: germline. Inheritance: Autosomal dominant inheritance. Affected: yes.